The following is an entry in ClinVar:

NM_000306.4(POU1F1):c.96_97delinsTT (p.Glu33Ter)

Gene: POU1F1 (POU class 1 homeobox 1; minus strand). Cytogenetic location: 3p11.2.
Variant type: Indel.
Coding change: c.96_97delinsTT on transcript NM_000306.4 (MANE Select); coding-DNA positions 96 to 97, CG replaced by TT.
Protein change: p.Glu33Ter; replaces glutamic acid 33 with a stop codon.
Molecular consequence: nonsense.
Genome position (GRCh38, 1-based): chr3:87,276,366-87,276,367, CG replaced by AA on the plus strand (CG replaced by TT on the coding strand, the reverse complement: POU1F1 is on the minus strand). VCF-style: chr3-87276366-CG-AA. GRCh37 (hg19) VCF-style: chr3-87325516-CG-AA.
Other names: c.96_97delinsTT, p.Glu33Ter (NM_001122757.3); short protein forms E33*.
Identifiers: ClinVar variation 2879327 (VCV002879327.3), dbSNP rs2471807189, ClinGen allele CA2739279297.

ClinVar aggregate classification (germline): Pathogenic (1 of 4 stars; one submission).

Submission:

Labcorp Genetics (formerly Invitae), Labcorp
Classification: Pathogenic. Last evaluated: 2023-06-29. Review status: criteria provided, single submitter. Criteria: Invitae Variant Classification Sherloc (09022015). Collection method: clinical testing. Allele origin: germline.
Comment: This sequence change creates a premature translational stop signal (p.Glu33*) in the POU1F1 gene. It is expected to result in an absent or disrupted protein product. Loss-of-function variants in POU1F1 are known to be pathogenic (PMID: 1472057, 9392392, 15844473, 15928241). Information on the frequency of this variant in the gnomAD database is not available, as this variant may be reported differently in the database. This variant has not been reported in the literature in individuals affected with POU1F1-related conditions. For these reasons, this variant has been classified as Pathogenic.

Literature cited by the submitters: PubMed 1472057; PubMed 9392392; PubMed 15844473; PubMed 15928241.